The following is an entry in ClinVar:

ClinVar aggregate classification (germline): Uncertain significance (1 of 4 stars; one submission).

Conditions:
PLXNA4-related disorder. Also called: PLXNA4-related condition.

Allele frequency attached by ClinVar (database versions not stated): gnomAD exomes 0.00001; ExAC 0.00006; TOPMed 0.00014; ESP Exome Variant Server 0.00016; gnomAD 0.00016; 1000 Genomes Project 0.00060; 1000 Genomes Project 30x 0.00062.
gnomAD v4.1: 44 of 1,614,196 alleles (0.0027%); highest among the groups gnomAD compares: African/African-American, 0.057%; no homozygotes.

Submission:

PreventionGenetics, part of Exact Sciences
Classification: Uncertain significance for PLXNA4-related condition. Last evaluated: 2026-06-23. Review status: criteria provided, single submitter. Criteria: ACMG Guidelines, 2015. Collection method: clinical testing. Allele origin: germline.
Comment: The PLXNA4 c.4676G>A variant is predicted to result in the amino acid substitution p.Ser1559Asn. To our knowledge, this variant has not been reported in the literature. This variant is reported in 0.074% of alleles in individuals of African descent in gnomAD, which is more common than expected for a primary cause of disease. Although we suspect that this variant may be benign, at this time, the clinical significance of this variant is uncertain due to the absence of conclusive functional and genetic evidence.

NM_020911.2(PLXNA4):c.4676G>A (p.Ser1559Asn)

Gene: PLXNA4 (plexin A4; minus strand). Cytogenetic location: 7q32.3.
Variant type: single nucleotide variant.
Coding change: c.4676G>A on transcript NM_020911.2 (MANE Select); coding-DNA position 4676, G replaced by A.
Protein change: p.Ser1559Asn; replaces serine 1559 with asparagine.
Molecular consequence: missense variant.
Genome position (GRCh38, 1-based): chr7:132,148,631, C>T on the plus strand (G>A on the coding strand, the complement: PLXNA4 is on the minus strand). VCF-style: chr7-132148631-C-T. GRCh37 (hg19) VCF-style: chr7-131833390-C-T.
Other names: c.4676G>A, p.Ser1559Asn (NM_001393897.1); short protein forms S1559N.
Identifiers: ClinVar variation 2636098 (VCV002636098.4), dbSNP rs150284097, ClinGen allele CA4489120.
Genomic context (GRCh38, chr7:132,148,631, plus strand): 5'-TTCCAATCATTCTCAATCTTGGTGGTGATGTCTTCATCCTGCAAGATCATCCTTGCCCCA[C>T]TTCCTTGTCGCCACTCTGCCAAAAGAGCGGTGGCGTTTCAGAGAGGCCCTATGACCCCTC-3'
Protein context (NP_065962.1, residues 1549-1569): ADMDLEWRQG[Ser1559Asn]GARMILQDED